The following is an entry in ClinVar:

NM_005076.5(CNTN2):c.2713G>A (p.Ala905Thr)

Gene: CNTN2 (contactin 2; plus strand). Cytogenetic location: 1q32.1.
Variant type: single nucleotide variant.
Coding change: c.2713G>A on transcript NM_005076.5 (MANE Select); coding-DNA position 2713, G replaced by A.
Protein change: p.Ala905Thr; replaces alanine 905 with threonine.
Molecular consequence: missense variant. On other transcripts: non-coding transcript variant (1).
Genome position (GRCh38, 1-based): chr1:205,072,115, G>A. VCF-style: chr1-205072115-G-A. GRCh37 (hg19) VCF-style: chr1-205041243-G-A.
Other names: c.2713G>A, p.Ala905Thr (NM_001346083.2); short protein forms A905T.
Identifiers: ClinVar variation 1008442 (VCV001008442.8), dbSNP rs778395637, ClinGen allele CA1351766.

ClinVar aggregate classification (germline): Uncertain significance (1 of 4 stars; one submission).

Conditions:
Epilepsy, familial adult myoclonic, 5 (EPEO5). Also called: CORTICAL MYOCLONIC TREMOR WITH EPILEPSY, FAMILIAL, 5. Identifiers: Orphanet 86814, MedGen C3809374, MONDO:0014167, OMIM 615400.

Allele frequency attached by ClinVar (database versions not stated): TOPMed 0.00001; ExAC 0.00002; gnomAD exomes 0.00002.
gnomAD v4.1: 17 of 1,611,260 alleles (0.0011%); highest among the groups gnomAD compares: South Asian, 0.0033%; no homozygotes.

Submission:

Labcorp Genetics (formerly Invitae), Labcorp
Classification: Uncertain significance for Epilepsy, familial adult myoclonic, 5. Last evaluated: 2025-01-20. Review status: criteria provided, single submitter. Criteria: Invitae Variant Classification Sherloc (09022015). Collection method: clinical testing. Allele origin: germline.
Comment: This sequence change replaces alanine, which is neutral and non-polar, with threonine, which is neutral and polar, at codon 905 of the CNTN2 protein (p.Ala905Thr). This variant is present in population databases (rs778395637, gnomAD 0.01%). This variant has not been reported in the literature in individuals affected with CNTN2-related conditions. ClinVar contains an entry for this variant (Variation ID: 1008442). Invitae Evidence Modeling of protein sequence and biophysical properties (such as structural, functional, and spatial information, amino acid conservation, physicochemical variation, residue mobility, and thermodynamic stability) indicates that this missense variant is not expected to disrupt CNTN2 protein function with a negative predictive value of 95%. In summary, the available evidence is currently insufficient to determine the role of this variant in disease. Therefore, it has been classified as a Variant of Uncertain Significance.